The following is an entry in ClinVar:

NM_001005498.4(RHBDF2):c.703C>T (p.Arg235Trp)

Gene: RHBDF2 (rhomboid 5 homolog 2; minus strand). Cytogenetic location: 17q25.1.
Variant type: single nucleotide variant.
Coding change: c.703C>T on transcript NM_001005498.4 (MANE Select); coding-DNA position 703, C replaced by T.
Protein change: p.Arg235Trp; replaces arginine 235 with tryptophan.
Molecular consequence: missense variant. On other transcripts: non-coding transcript variant (3).
Genome position (GRCh38, 1-based): chr17:76,477,755, G>A on the plus strand (C>T on the coding strand, the complement: RHBDF2 is on the minus strand). VCF-style: chr17-76477755-G-A. GRCh37 (hg19) VCF-style: chr17-74473837-G-A.
Other names: c.703C>T, p.Arg235Trp (NM_001376228.1, NM_001376229.1, NM_001376230.1); c.790C>T, p.Arg264Trp (NM_024599.5); short protein forms R235W, R264W.
Identifiers: ClinVar variation 3153998 (VCV003153998.4), dbSNP rs541445182, ClinGen allele CA8787256.

ClinVar aggregate classification (germline): Uncertain significance. Review status: criteria provided, multiple submitters, no conflicts (2 of 4 stars). 3 submissions from 3 submitters: Uncertain significance (3). Last evaluated 2024-06-21.

Conditions:
Inborn genetic diseases. Identifiers: MedGen C0950123, MeSH D030342.
Palmoplantar keratoderma-esophageal carcinoma syndrome (TOC). Also called: KERATOSIS PALMARIS ET PLANTARIS WITH ESOPHAGEAL CANCER; Tylosis with Esophageal Cancer; PALMOPLANTAR KERATODERMA WITH ESOPHAGEAL CANCER. Identifiers: Orphanet 2198, MedGen C1835664, MONDO:0007856, OMIM 148500.

Allele frequency attached by ClinVar (database versions not stated): gnomAD exomes 0.00004; TOPMed 0.00005; ExAC 0.00006; gnomAD 0.00008; 1000 Genomes Project 30x 0.00016; 1000 Genomes Project 0.00020.
gnomAD v4.1: 67 of 1,612,982 alleles (0.0042%); highest among the groups gnomAD compares: East Asian, 0.04%; no homozygotes.

Submissions (3):

Fulgent Genetics
Classification: Uncertain significance for Palmoplantar keratoderma-esophageal carcinoma syndrome. Last evaluated: 2024-06-21. Review status: criteria provided, single submitter. Criteria: ACMG Guidelines, 2015. Collection method: clinical testing. Allele origin: germline.

Labcorp Genetics (formerly Invitae), Labcorp
Classification: Uncertain significance. Last evaluated: 2024-06-12. Review status: criteria provided, single submitter. Criteria: Invitae Variant Classification Sherloc (09022015). Collection method: clinical testing. Allele origin: germline.
Comment: This sequence change replaces arginine, which is basic and polar, with tryptophan, which is neutral and slightly polar, at codon 264 of the RHBDF2 protein (p.Arg264Trp). This variant is present in population databases (rs541445182, gnomAD 0.03%). This variant has not been reported in the literature in individuals affected with RHBDF2-related conditions. An algorithm developed to predict the effect of missense changes on protein structure and function (PolyPhen-2) suggests that this variant is likely to be disruptive. In summary, the available evidence is currently insufficient to determine the role of this variant in disease. Therefore, it has been classified as a Variant of Uncertain Significance.

Ambry Genetics
Classification: Uncertain significance for Inborn genetic diseases. Last evaluated: 2023-10-13. Review status: criteria provided, single submitter. Criteria: Ambry Variant Classification Scheme 2023. Collection method: clinical testing. Allele origin: germline.